The following is an entry in ClinVar:

ClinVar aggregate classification (germline): Conflicting classifications of pathogenicity. Review status: criteria provided, conflicting classifications (1 of 4 stars). 3 submissions from 3 submitters: Uncertain significance (2); Likely benign (1). Last evaluated 2026-01-17.

Conditions:
Cardiovascular phenotype. Identifiers: MedGen CN230736.
Dilated cardiomyopathy 3B (CMD3B). Also called: CMD3B: DMD-Related Dilated Cardiomyopathy; CARDIOMYOPATHY, DILATED, X-LINKED; DMD-Associated Dilated Cardiomyopathy. Identifiers: Orphanet 154, MedGen C3668940, MONDO:0010542, OMIM 302045.
Becker muscular dystrophy (BMD). Also called: Becker Muscular Dystrophy (BMD); MUSCULAR DYSTROPHY, PSEUDOHYPERTROPHIC PROGRESSIVE, BECKER TYPE. Identifiers: Orphanet 98895, MedGen C0917713, MONDO:0010311, OMIM 300376.
Duchenne muscular dystrophy (DMD). Also called: Duchenne Muscular Dystrophy (DMD); MUSCULAR DYSTROPHY, PSEUDOHYPERTROPHIC PROGRESSIVE, DUCHENNE TYPE. Identifiers: Orphanet 98896, MedGen C0013264, MONDO:0010679, OMIM 310200.

Allele frequency attached by ClinVar (database versions not stated): gnomAD exomes 0.00002 and 0.00005; gnomAD 0.00005 and 0.00006; TOPMed 0.00006; ExAC 0.00001.
gnomAD v4.1: 62 of 1,208,773 alleles (0.0051%); highest among the groups gnomAD compares: Non-Finnish European, 0.0065%; no homozygotes.

Submissions (3):

Labcorp Genetics (formerly Invitae), Labcorp
Classification: Likely benign for Duchenne muscular dystrophy. Last evaluated: 2026-01-17. Review status: criteria provided, single submitter. Criteria: Invitae Variant Classification Sherloc (09022015). Collection method: clinical testing. Allele origin: germline.

Ambry Genetics
Classification: Uncertain significance for Cardiovascular phenotype. Last evaluated: 2025-10-29. Review status: criteria provided, single submitter. Criteria: Ambry Variant Classification Scheme 2023. Collection method: clinical testing. Allele origin: germline.
Comment: The p.I1757T variant (also known as c.5270T>C), located in coding exon 37 of the DMD gene, results from a T to C substitution at nucleotide position 5270. The isoleucine at codon 1757 is replaced by threonine, an amino acid with similar properties. Based on data from gnomAD, the C allele has an overall frequency of 0.002% (4/205076) total alleles studied, including one hemizygote. The highest observed frequency was 0.007% (1/14830) of East Asian alleles. This amino acid position is not well conserved in available vertebrate species. In addition, this alteration is predicted to be tolerated by in silico analysis. Based on the available evidence, the clinical significance of this variant remains unclear.

Fulgent Genetics
Classification: Uncertain significance for Becker muscular dystrophy; Dilated cardiomyopathy 3B; Duchenne muscular dystrophy. Last evaluated: 2021-10-01. Review status: criteria provided, single submitter. Criteria: ACMG Guidelines, 2015. Collection method: clinical testing. Allele origin: unknown.

NM_004006.3(DMD):c.5270T>C (p.Ile1757Thr)

Gene: DMD (dystrophin; minus strand). Cytogenetic location: Xp21.1.
Variant type: single nucleotide variant.
Coding change: c.5270T>C on transcript NM_004006.3 (MANE Select); coding-DNA position 5270, T replaced by C.
Protein change: p.Ile1757Thr; replaces isoleucine 1757 with threonine.
Molecular consequence: missense variant.
Genome position (GRCh38, 1-based): chrX:32,362,843, A>G on the plus strand (T>C on the coding strand, the complement: DMD is on the minus strand). VCF-style: chrX-32362843-A-G. GRCh37 (hg19) VCF-style: chrX-32380960-A-G.
Other names: c.5246T>C, p.Ile1749Thr (NM_000109.4); c.5258T>C, p.Ile1753Thr (NM_004009.3); c.4901T>C, p.Ile1634Thr (NM_004010.3); c.1247T>C, p.Ile416Thr (NM_004011.4); c.1238T>C, p.Ile413Thr (NM_004012.4); short protein forms I1757T, I413T, I1753T, I1749T, I1634T, I416T.
Identifiers: ClinVar variation 518509 (VCV000518509.14), dbSNP rs201516290, ClinGen allele CA10378736.